The following is an entry in ClinVar:

NM_000722.4(CACNA2D1):c.208G>C (p.Val70Leu)

Gene: CACNA2D1 (calcium voltage-gated channel auxiliary subunit alpha2delta 1; minus strand). Cytogenetic location: 7q21.11.
Variant type: single nucleotide variant.
Coding change: c.208G>C on transcript NM_000722.4 (MANE Select); coding-DNA position 208, G replaced by C.
Protein change: p.Val70Leu; replaces valine 70 with leucine.
Molecular consequence: missense variant.
Genome position (GRCh38, 1-based): chr7:82,335,221, C>G on the plus strand (G>C on the coding strand, the complement: CACNA2D1 is on the minus strand). VCF-style: chr7-82335221-C-G. GRCh37 (hg19) VCF-style: chr7-81964537-C-G.
Other names: c.208G>C, p.Val70Leu (NM_001302890.2, NM_001366867.1); short protein forms V70L.
Identifiers: ClinVar variation 5033639 (VCV005033639.1).

ClinVar aggregate classification (germline): Uncertain significance (1 of 4 stars; one submission).

Conditions:
Cardiovascular phenotype. Identifiers: MedGen CN230736.

Submission:

Ambry Genetics
Classification: Uncertain significance for Cardiovascular phenotype. Last evaluated: 2026-08-08. Review status: criteria provided, single submitter. Criteria: Ambry Variant Classification Scheme 2023. Collection method: clinical testing. Allele origin: germline.
Comment: The p.V70L variant (also known as c.208G>C), located in coding exon 3 of the CACNA2D1 gene, results from a G to C substitution at nucleotide position 208. The valine at codon 70 is replaced by leucine, an amino acid with highly similar properties. This amino acid position is conserved. In addition, this alteration is predicted to be tolerated by in silico analysis. The evidence for this gene-disease relationship is limited; therefore, the clinical significance of this variant is unclear.